The following is an entry in ClinVar:

NM_000038.6(APC):c.3843A>G (p.Ser1281=)

Gene: APC (APC regulator of Wnt signaling pathway; plus strand). Cytogenetic location: 5q22.2.
Variant type: single nucleotide variant.
Coding change: c.3843A>G on transcript NM_000038.6 (MANE Select); coding-DNA position 3843, A replaced by G.
Protein change: p.Ser1281=; no amino-acid change (serine 1281 retained).
Molecular consequence: synonymous variant.
Genome position (GRCh38, 1-based): chr5:112,839,437, A>G. VCF-style: chr5-112839437-A-G. GRCh37 (hg19) VCF-style: chr5-112175134-A-G.
Other names: c.3843A>G (NM_000038.5); c.3843A>G, p.Ser1281= (NM_001127510.3, NM_001354895.2); c.3789A>G, p.Ser1263= (NM_001127511.3); c.3897A>G, p.Ser1299= (NM_001354896.2); c.3873A>G, p.Ser1291= (NM_001354897.2); c.3768A>G, p.Ser1256= (NM_001354898.2); c.3759A>G, p.Ser1253= (NM_001354899.2); c.3720A>G, p.Ser1240= (NM_001354900.2); and 6 more.
Identifiers: ClinVar variation 1556725 (VCV001556725.10), dbSNP rs2149900255, ClinGen allele CA445963735.
Genomic context (GRCh38, chr5:112,839,437, plus strand): 5'-TTATTGTGTAGAAGATACTCCAATATGTTTTTCAAGATGTAGTTCATTATCATCTTTGTC[A>G]TCAGCTGAAGATGAAATAGGATGTAATCAGACGACACAGGAAGCAGATTCTGCTAATACC-3'
Protein context (NP_000029.2, residues 1271-1291): FSRCSSLSSL[Ser1281=]SAEDEIGCNQ

ClinVar aggregate classification (germline): Benign/Likely benign. Review status: criteria provided, multiple submitters, no conflicts (2 of 4 stars). 3 submissions from 3 submitters: Benign (1); Likely benign (2). Last evaluated 2025-05-11.

Conditions:
Familial adenomatous polyposis 1 (FAP1). Also called: POLYPOSIS, ADENOMATOUS INTESTINAL; FAMILIAL ADENOMATOUS POLYPOSIS 1, ATTENUATED. Identifiers: MedGen C2713442, MONDO:0021056, OMIM 175100. Disease mechanism: loss of function.
Hereditary cancer-predisposing syndrome. Also called: Hereditary neoplastic syndrome; Neoplastic Syndromes, Hereditary; Hereditary Cancer Syndrome; Tumor predisposition. Identifiers: Orphanet 140162, MedGen C0027672, MeSH D009386, MONDO:0015356.

Submissions (3):

Ambry Genetics
Classification: Likely benign for Hereditary cancer-predisposing syndrome. Last evaluated: 2025-05-11. Review status: criteria provided, single submitter. Criteria: Ambry Variant Classification Scheme 2023. Collection method: clinical testing. Allele origin: germline.

Myriad Genetics, Inc.
Classification: Benign for Familial adenomatous polyposis 1. Last evaluated: 2024-03-22. Review status: criteria provided, single submitter. Criteria: Myriad Autosomal Dominant, Autosomal Recessive and X-Linked Classification Criteria (2023). Collection method: clinical testing. Allele origin: unknown.
Comment: This variant is considered benign. This variant is a silent/synonymous amino acid change and it is not expected to impact splicing.

Labcorp Genetics (formerly Invitae), Labcorp
Classification: Likely benign for Familial adenomatous polyposis 1. Last evaluated: 2022-01-19. Review status: criteria provided, single submitter. Criteria: Invitae Variant Classification Sherloc (09022015). Collection method: clinical testing. Allele origin: germline.